The following is an entry in ClinVar:

ClinVar aggregate classification (germline): Uncertain significance (1 of 4 stars; one submission).

Allele frequency attached by ClinVar (database versions not stated): gnomAD 0.00001.
gnomAD v4.1: 8 of 1,607,656 alleles (0.0005%); highest among the groups gnomAD compares: Admixed American, 0.0034%; no homozygotes.

Submission:

Labcorp Genetics (formerly Invitae), Labcorp
Classification: Uncertain significance. Last evaluated: 2026-01-26. Review status: criteria provided, single submitter. Criteria: Invitae Variant Classification Sherloc (09022015). Collection method: clinical testing. Allele origin: germline.
Comment: This sequence change replaces valine, which is neutral and non-polar, with methionine, which is neutral and non-polar, at codon 2835 of the DCHS1 protein (p.Val2835Met). The frequency data for this variant in the population databases is considered unreliable, as metrics indicate poor data quality at this position in the gnomAD database. This variant has not been reported in the literature in individuals affected with DCHS1-related conditions. ClinVar contains an entry for this variant (Variation ID: 2892006). Invitae Evidence Modeling of protein sequence and biophysical properties (such as structural, functional, and spatial information, amino acid conservation, physicochemical variation, residue mobility, and thermodynamic stability) indicates that this missense variant is not expected to disrupt DCHS1 protein function with a negative predictive value of 80%. In summary, the available evidence is currently insufficient to determine the role of this variant in disease. Therefore, it has been classified as a Variant of Uncertain Significance.

NM_003737.4(DCHS1):c.8503G>A (p.Val2835Met)

Gene: DCHS1 (dachsous cadherin-related 1; minus strand). Cytogenetic location: 11p15.4.
Variant type: single nucleotide variant.
Coding change: c.8503G>A on transcript NM_003737.4 (MANE Select); coding-DNA position 8503, G replaced by A.
Protein change: p.Val2835Met; replaces valine 2835 with methionine.
Molecular consequence: missense variant.
Genome position (GRCh38, 1-based): chr11:6,623,173, C>T on the plus strand (G>A on the coding strand, the complement: DCHS1 is on the minus strand). VCF-style: chr11-6623173-C-T. GRCh37 (hg19) VCF-style: chr11-6644404-C-T.
Other names: short protein forms V2835M.
Identifiers: ClinVar variation 2892006 (VCV002892006.3), dbSNP rs746286141, ClinGen allele CA379480890.
Genomic context (GRCh38, chr11:6,623,173, plus strand): 5'-AGGTGGCAAGGGAATACAGAACCAGGCCATCGGCACCCCCATCCTCATCTGTGGCCTGCA[C>T]GTGACCCAAGCTGTGGCCACGCCGGGCACCTTCGGGCACTTGGAAGTGGAAAGCTGGTGC-3'
Protein context (NP_003728.1, residues 2825-2845): GARRGHSLGH[Val2835Met]QATDEDGGAD